The following is an entry in ClinVar:

ClinVar aggregate classification (germline): Uncertain significance (1 of 4 stars; one submission).

Allele frequency attached by ClinVar (database versions not stated): gnomAD exomes below 0.00001.

Submission:

Labcorp Genetics (formerly Invitae), Labcorp
Classification: Uncertain significance. Last evaluated: 2022-09-01. Review status: criteria provided, single submitter. Criteria: Invitae Variant Classification Sherloc (09022015). Collection method: clinical testing. Allele origin: germline.
Comment: This variant is present in population databases (no rsID available, gnomAD 0.006%). Algorithms developed to predict the effect of missense changes on protein structure and function output the following: SIFT: "Tolerated"; PolyPhen-2: "Benign"; Align-GVGD: "Class C0". The isoleucine amino acid residue is found in multiple mammalian species, which suggests that this missense change does not adversely affect protein function. This variant has not been reported in the literature in individuals affected with POLE-related conditions. In summary, the available evidence is currently insufficient to determine the role of this variant in disease. Therefore, it has been classified as a Variant of Uncertain Significance. Algorithms developed to predict the effect of sequence changes on RNA splicing suggest that this variant may create or strengthen a splice site. This sequence change replaces methionine, which is neutral and non-polar, with isoleucine, which is neutral and non-polar, at codon 1212 of the POLE protein (p.Met1212Ile).

NM_006231.4(POLE):c.3636G>A (p.Met1212Ile)

Gene: POLE (DNA polymerase epsilon, catalytic subunit; minus strand). Cytogenetic location: 12q24.33.
Variant type: single nucleotide variant.
Coding change: c.3636G>A on transcript NM_006231.4 (MANE Select); coding-DNA position 3636, G replaced by A.
Protein change: p.Met1212Ile; replaces methionine 1212 with isoleucine.
Molecular consequence: missense variant.
Genome position (GRCh38, 1-based): chr12:132,649,836, C>T on the plus strand (G>A on the coding strand, the complement: POLE is on the minus strand). VCF-style: chr12-132649836-C-T. GRCh37 (hg19) VCF-style: chr12-133226422-C-T.
Other names: short protein forms M1212I.
Identifiers: ClinVar variation 1970619 (VCV001970619.5), dbSNP rs1265581048, ClinGen allele CA387386874.